The following is an entry in ClinVar:

NM_080473.5(GATA5):c.1060T>A (p.Ser354Thr)

Gene: GATA5 (GATA binding protein 5; minus strand). Cytogenetic location: 20q13.33.
Variant type: single nucleotide variant.
Coding change: c.1060T>A on transcript NM_080473.5 (MANE Select); coding-DNA position 1060, T replaced by A.
Protein change: p.Ser354Thr; replaces serine 354 with threonine.
Molecular consequence: missense variant.
Genome position (GRCh38, 1-based): chr20:62,464,970, A>T on the plus strand (T>A on the coding strand, the complement: GATA5 is on the minus strand). VCF-style: chr20-62464970-A-T. GRCh37 (hg19) VCF-style: chr20-61040026-A-T.
Other names: short protein forms S354T.
Identifiers: ClinVar variation 3649641 (VCV003649641.2).

ClinVar aggregate classification (germline): Uncertain significance (1 of 4 stars; one submission).

Submission:

Labcorp Genetics (formerly Invitae), Labcorp
Classification: Uncertain significance. Last evaluated: 2024-04-11. Review status: criteria provided, single submitter. Criteria: Invitae Variant Classification Sherloc (09022015). Collection method: clinical testing. Allele origin: germline.
Comment: This sequence change replaces serine, which is neutral and polar, with threonine, which is neutral and polar, at codon 354 of the GATA5 protein (p.Ser354Thr). This variant is not present in population databases (gnomAD no frequency). This variant has not been reported in the literature in individuals affected with GATA5-related conditions. Advanced modeling of protein sequence and biophysical properties (such as structural, functional, and spatial information, amino acid conservation, physicochemical variation, residue mobility, and thermodynamic stability) performed at Invitae indicates that this missense variant is not expected to disrupt GATA5 protein function with a negative predictive value of 80%. In summary, the available evidence is currently insufficient to determine the role of this variant in disease. Therefore, it has been classified as a Variant of Uncertain Significance.